The following is an entry in ClinVar:

ClinVar aggregate classification (germline): Pathogenic. Review status: criteria provided, multiple submitters, no conflicts (2 of 4 stars). 2 submissions from 2 submitters: Pathogenic (2). Last evaluated 2025-07-14.

Conditions:
Legius syndrome. Identifiers: Orphanet 137605, MedGen C1969623, MONDO:0012669, OMIM 611431. Disease mechanism: loss of function.

Submissions (2):

GeneDx
Classification: Pathogenic. Last evaluated: 2025-07-14. Review status: criteria provided, single submitter. Criteria: GeneDx Variant Classification Process June 2021. Collection method: clinical testing. Allele origin: germline. Affected: yes.
Comment: Nonsense variant predicted to result in protein truncation or nonsense mediated decay in a gene for which loss of function is a known mechanism of disease; Not observed at significant frequency in large population cohorts (gnomAD); Has not been previously published as pathogenic or benign to our knowledge

Labcorp Genetics (formerly Invitae), Labcorp
Classification: Pathogenic for Legius syndrome. Last evaluated: 2025-04-13. Review status: criteria provided, single submitter. Criteria: Invitae Variant Classification Sherloc (09022015). Collection method: clinical testing. Allele origin: germline.
Comment: This sequence change creates a premature translational stop signal (p.Trp31*) in the SPRED1 gene. It is expected to result in an absent or disrupted protein product. Loss-of-function variants in SPRED1 are known to be pathogenic (PMID: 17704776). This variant is not present in population databases (gnomAD no frequency). This variant has not been reported in the literature in individuals affected with SPRED1-related conditions. For these reasons, this variant has been classified as Pathogenic.

Literature cited by the submitters: PubMed 17704776 (cited by Labcorp Genetics (formerly Invitae), Labcorp).

NM_152594.3(SPRED1):c.93G>A (p.Trp31Ter)

Gene: SPRED1 (sprouty related EVH1 domain containing 1; plus strand). Cytogenetic location: 15q14.
Variant type: single nucleotide variant.
Coding change: c.93G>A on transcript NM_152594.3 (MANE Select); coding-DNA position 93, G replaced by A.
Protein change: p.Trp31Ter; replaces tryptophan 31 with a stop codon.
Molecular consequence: nonsense.
Genome position (GRCh38, 1-based): chr15:38,299,433, G>A. VCF-style: chr15-38299433-G-A. GRCh37 (hg19) VCF-style: chr15-38591634-G-A.
Other names: short protein forms W31*.
Identifiers: ClinVar variation 4686126 (VCV004686126.2).